The following is an entry in ClinVar:

NM_032982.4(CASP2):c.906C>T (p.Asn302=)

Gene: CASP2 (caspase 2; plus strand). Cytogenetic location: 7q34.
Variant type: single nucleotide variant.
Coding change: c.906C>T on transcript NM_032982.4 (MANE Select); coding-DNA position 906, C replaced by T.
Protein change: p.Asn302=; no amino-acid change (asparagine 302 retained).
Molecular consequence: synonymous variant. On other transcripts: 3 prime UTR variant (1).
Genome position (GRCh38, 1-based): chr7:143,300,233, C>T. VCF-style: chr7-143300233-C-T. GRCh37 (hg19) VCF-style: chr7-142997326-C-T.
Other names: c.813C>T, p.Asn271= (NM_001224.5); c.*361C>T (NM_032983.4).
Identifiers: ClinVar variation 3049220 (VCV003049220.2), dbSNP rs750534880, ClinGen allele CA4536599.

ClinVar aggregate classification (germline): Likely benign (0 of 4 stars; one submission).

Conditions:
CASP2-related disorder. Also called: CASP2-related condition.

Allele frequency attached by ClinVar (database versions not stated): ExAC 0.00001; gnomAD 0.00003; TOPMed 0.00003; gnomAD exomes 0.00004.
gnomAD v4.1: 61 of 1,614,030 alleles (0.0038%); highest among the groups gnomAD compares: East Asian, 0.0089%; no homozygotes.

Submission:

PreventionGenetics, part of Exact Sciences
Classification: Likely benign for CASP2-related condition. Last evaluated: 2019-12-09. Review status: no assertion criteria provided. Collection method: clinical testing. Allele origin: germline.
Comment: This variant is classified as likely benign based on ACMG/AMP sequence variant interpretation guidelines (Richards et al. 2015 PMID: 25741868, with internal and published modifications).